The following is an entry in ClinVar:

NM_001267550.2(TTN):c.56454A>C (p.Thr18818=)

Genes: TTN (titin; minus strand), TTN-AS1 (TTN antisense RNA 1; plus strand). Cytogenetic location: 2q31.2.
Variant type: single nucleotide variant.
Coding change: c.56454A>C on transcript NM_001267550.2 (MANE Select); coding-DNA position 56454, A replaced by C.
Protein change: p.Thr18818=; no amino-acid change (threonine 18818 retained).
Molecular consequence: synonymous variant.
Genome position (GRCh38, 1-based): chr2:178,599,339, T>G on the plus strand (A>C on the coding strand, the complement: TTN is on the minus strand). VCF-style: chr2-178599339-T-G. GRCh37 (hg19) VCF-style: chr2-179464066-T-G.
Other names: c.51531A>C, p.Thr17177= (NM_001256850.1); c.29259A>C, p.Thr9753= (NM_003319.4); c.48750A>C, p.Thr16250= (NM_133378.4); c.29634A>C, p.Thr9878= (NM_133432.3); c.29835A>C, p.Thr9945= (NM_133437.4).
Identifiers: ClinVar variation 467290 (VCV000467290.38), dbSNP rs374058011, ClinGen allele CA1993245.

ClinVar aggregate classification (germline): Likely benign. Review status: criteria provided, multiple submitters, no conflicts (2 of 4 stars). 6 submissions from 6 submitters: Likely benign (6). Last evaluated 2026-04-20.

Conditions:
Cardiovascular phenotype. Identifiers: MedGen CN230736.
Cardiomyopathy (CMYO). Also called: Cardiomyopathies. Identifiers: Orphanet 167848, MedGen C0878544, MONDO:0004994, HP:0001638. Inheritance: Various modes of inheritance.
Dilated cardiomyopathy 1G (CMD1G). Identifiers: Orphanet 154, MedGen C1858763, MONDO:0011400, OMIM 604145.
Autosomal recessive limb-girdle muscular dystrophy type 2J (LGMDR10). Also called: Limb-girdle muscular dystrophy, type 2J; MUSCULAR DYSTROPHY, LIMB-GIRDLE, AUTOSOMAL RECESSIVE 10. Identifiers: Orphanet 140922, MedGen C1837342, MONDO:0012127, OMIM 608807.

Allele frequency attached by ClinVar (database versions not stated): gnomAD 0.00001 and 0.00003; TOPMed 0.00005; ESP Exome Variant Server 0.00008.
gnomAD v4.1: 28 of 1,609,712 alleles (0.0017%); highest among the groups gnomAD compares: Admixed American, 0.0067%; no homozygotes.

Submissions (6):

Women's Health and Genetics/Laboratory Corporation of America, LabCorp
Classification: Likely benign. Last evaluated: 2026-04-20. Review status: criteria provided, single submitter. Criteria: LabCorp Variant Classification Summary - May 2015. Collection method: clinical testing. Allele origin: germline.

Labcorp Genetics (formerly Invitae), Labcorp
Classification: Likely benign for Dilated cardiomyopathy 1G; Autosomal recessive limb-girdle muscular dystrophy type 2J. Last evaluated: 2026-01-05. Review status: criteria provided, single submitter. Criteria: Invitae Variant Classification Sherloc (09022015). Collection method: clinical testing. Allele origin: germline.

CeGaT Center for Human Genetics Tuebingen
Classification: Likely benign. Last evaluated: 2024-02-01. Review status: criteria provided, single submitter. Criteria: CeGaT Center For Human Genetics Tuebingen Variant Classification Criteria Version 2. Collection method: clinical testing. Allele origin: germline. Affected: yes. Observed: 1 variant allele.
Comment: TTN: BP4, BP7

CHEO Genetics Diagnostic Laboratory, Children's Hospital of Eastern Ontario
Classification: Likely benign for Cardiomyopathy. Last evaluated: 2022-03-30. Review status: criteria provided, single submitter. Criteria: ACMG Guidelines, 2015. Collection method: clinical testing. Allele origin: germline.

Ambry Genetics
Classification: Likely benign for Cardiovascular phenotype. Last evaluated: 2020-01-23. Review status: criteria provided, single submitter. Criteria: Ambry Variant Classification Scheme 2023. Collection method: clinical testing. Allele origin: germline.

GeneDx
Classification: Likely benign. Last evaluated: 2018-06-11. Review status: criteria provided, single submitter. Criteria: GeneDx Variant Classification (06012015). Collection method: clinical testing. Allele origin: germline. Affected: yes.
Comment: This variant is considered likely benign or benign based on one or more of the following criteria: it is a conservative change, it occurs at a poorly conserved position in the protein, it is predicted to be benign by multiple in silico algorithms, and/or has population frequency not consistent with disease.